The following is an entry in ClinVar:

ClinVar aggregate classification (germline): Uncertain significance. Review status: criteria provided, multiple submitters, no conflicts (2 of 4 stars). 5 submissions from 5 submitters: Uncertain significance (4). 1 of the submissions does not count toward it. Last evaluated 2026-01-26.

Conditions:
Myopathy with tubular aggregates (TAM). Also called: Tubular Aggregate Myopathy. Identifiers: Orphanet 2593, MedGen C0410207, MONDO:0008051.
Combined immunodeficiency due to STIM1 deficiency. Also called: IMMUNODEFICIENCY 10; STIM1 DEFICIENCY. Identifiers: Orphanet 169090, Orphanet 317430, MedGen C2748557, MONDO:0013008, OMIM 612783.
Stormorken syndrome (STRMK). Also called: THROMBOCYTOPATHY, ASPLENIA, AND MIOSIS. Identifiers: Orphanet 3204, MedGen C1861451, MONDO:0008497, OMIM 185070.

Allele frequency attached by ClinVar (database versions not stated): gnomAD 0.00006 and 0.00007; gnomAD exomes 0.00006 and 0.00009; TOPMed 0.00006; ExAC 0.00007; ESP Exome Variant Server 0.00023.
gnomAD v4.1: 104 of 1,614,048 alleles (0.0064%); highest among the groups gnomAD compares: Admixed American, 0.0083%; no homozygotes.

Submissions (5):

Labcorp Genetics (formerly Invitae), Labcorp
Classification: Uncertain significance for Myopathy with tubular aggregates; Combined immunodeficiency due to STIM1 deficiency; Stormorken syndrome. Last evaluated: 2026-01-26. Review status: criteria provided, single submitter. Criteria: Invitae Variant Classification Sherloc (09022015). Collection method: clinical testing. Allele origin: germline.
Comment: This sequence change replaces arginine, which is basic and polar, with histidine, which is basic and polar, at codon 615 of the STIM1 protein (p.Arg615His). This variant is present in population databases (rs145197758, gnomAD 0.02%). This variant has not been reported in the literature in individuals affected with STIM1-related conditions. ClinVar contains an entry for this variant (Variation ID: 461727). An algorithm developed to predict the effect of missense changes on protein structure and function outputs the following: PolyPhen-2: "Probably Damaging". The histidine amino acid residue is found in multiple mammalian species, which suggests that this missense change does not adversely affect protein function. In summary, the available evidence is currently insufficient to determine the role of this variant in disease. Therefore, it has been classified as a Variant of Uncertain Significance.

Women's Health and Genetics/Laboratory Corporation of America, LabCorp
Classification: Uncertain significance. Last evaluated: 2025-11-11. Review status: criteria provided, single submitter. Criteria: LabCorp Variant Classification Summary - May 2015. Collection method: clinical testing. Allele origin: germline.
Comment: Variant summary: STIM1 c.1844G>A (p.Arg615His) results in a non-conservative amino acid change in the encoded protein sequence. Algorithms developed to predict the effect of missense changes on protein structure and function are either unavailable or do not agree on the potential impact of this missense change. The variant allele was found at a frequency of 8.7e-05 in 251448 control chromosomes. This frequency is not significantly higher than estimated for disease-causing variants in STIM1, allowing no conclusion about variant significance. To our knowledge, no occurrence of c.1844G>A in individuals affected with STIM1-related conditions and no experimental evidence demonstrating its impact on protein function have been reported. ClinVar contains an entry for this variant (Variation ID: 461727). Based on the evidence outlined above, the variant was classified as uncertain significance.

GeneDx
Classification: Uncertain significance. Last evaluated: 2025-02-03. Review status: criteria provided, single submitter. Criteria: GeneDx Variant Classification Process June 2021. Collection method: clinical testing. Allele origin: germline. Affected: yes.
Comment: Reported previously as a variant of uncertain significance in a patient with ischemic stroke; however, no further clinical information was provided and several other variants were also identified (PMID: 36973604); In silico analysis indicates that this missense variant does not alter protein structure/function; This variant is associated with the following publications: (PMID: 36973604)

Revvity Omics, Revvity
Classification: Uncertain significance. Last evaluated: 2024-02-07. Review status: criteria provided, single submitter. Criteria: ACMG Guidelines, 2015. Collection method: clinical testing. Allele origin: germline.

Zotz-Klimas Genetics Lab, MVZ Zotz Klimas
Classification: Uncertain significance for Stormorken syndrome. Last evaluated: 2023-10-30. Review status: no assertion criteria provided. Collection method: clinical testing. Allele origin: germline. Affected: yes. Not counted in ClinVar's aggregate classification.

NM_001382567.1(STIM1):c.1937G>A (p.Arg646His)

Genes: STIM1 (stromal interaction molecule 1; plus strand), LOC124418421 (Sharpr-MPRA regulatory region 9588; plus strand). Cytogenetic location: 11p15.4.
Variant type: single nucleotide variant.
Coding change: c.1937G>A on transcript NM_001382567.1 (MANE Select); coding-DNA position 1937, G replaced by A.
Protein change: p.Arg646His; replaces arginine 646 with histidine.
Molecular consequence: missense variant. On other transcripts: 3 prime UTR variant (4), non-coding transcript variant (3).
Genome position (GRCh38, 1-based): chr11:4,091,584, G>A. VCF-style: chr11-4091584-G-A. GRCh37 (hg19) VCF-style: chr11-4112814-G-A.
Other names: c.2162G>A, p.Arg721His (NM_001277961.3); c.*258G>A (NM_001277962.2, NM_001382578.1, NM_001382579.1 and 1 more transcripts); c.1940G>A, p.Arg647His (NM_001382566.1); c.1865G>A, p.Arg622His (NM_001382568.1); c.1709G>A, p.Arg570His (NM_001382569.1); c.1616G>A, p.Arg539His (NM_001382570.1); c.1364G>A, p.Arg455His (NM_001382571.1); c.1622G>A, p.Arg541His (NM_001382575.1, NM_001382576.1, NM_001382577.1); and 2 more; short protein forms R615H, R721H, R452H, R455H, R539H, R541H, R570H, R622H.
Identifiers: ClinVar variation 461727 (VCV000461727.14), dbSNP rs145197758, ClinGen allele CA5830641.
Genomic context (GRCh38, chr11:4,091,584, plus strand): 5'-GCCTGATGGAGCTGAGCCCCTCAGCCCCACCTGGTGGCTCTCCACATTTGGATTCTTCCC[G>A]TTCTCACAGCCCCAGCTCCCCAGACCCAGACACACCATCTCCAGTTGGGGACAGCCGAGC-3'
Protein context (NP_001369496.1, residues 636-656): PGGSPHLDSS[Arg646His]SHSPSSPDPD